The following is an entry in ClinVar:

NM_000059.4(BRCA2):c.4701A>C (p.Leu1567=)

Gene: BRCA2 (BRCA2 DNA repair associated; plus strand). Cytogenetic location: 13q13.1.
Variant type: single nucleotide variant.
Coding change: c.4701A>C on transcript NM_000059.4 (MANE Select); coding-DNA position 4701, A replaced by C.
Protein change: p.Leu1567=; no amino-acid change (leucine 1567 retained).
Molecular consequence: synonymous variant. On other transcripts: non-coding transcript variant (1), intron variant (2).
Genome position (GRCh38, 1-based): chr13:32,339,056, A>C. VCF-style: chr13-32339056-A-C. GRCh37 (hg19) VCF-style: chr13-32913193-A-C.
Other names: c.4701A>C, p.Leu1567= (NM_001406719.1, NM_001406720.1); c.1910-5502A>C (NM_001406721.1); c.425-5502A>C (NM_001406722.1).
Identifiers: ClinVar variation 2963748 (VCV002963748.5), dbSNP rs1555283908, ClinGen allele CA483438124.

ClinVar aggregate classification (germline): Likely benign. Review status: criteria provided, multiple submitters, no conflicts (2 of 4 stars). 3 submissions from 3 submitters: Likely benign (3). Last evaluated 2026-06-04.

Conditions:
Hereditary cancer-predisposing syndrome. Also called: Hereditary neoplastic syndrome; Neoplastic Syndromes, Hereditary; Tumor predisposition; Hereditary Cancer Syndrome. Identifiers: Orphanet 140162, MedGen C0027672, MeSH D009386, MONDO:0015356.
Hereditary breast ovarian cancer syndrome. Also called: Breast and ovarian cancer; Hereditary breast and ovarian cancer syndrome (HBOC); BRCA1- and BRCA2-Associated Hereditary Breast and Ovarian Cancer; Hereditary breast and ovarian cancer syndrome; Hereditary breast and ovarian cancer; Hereditary breast and/or ovarian cancer syndrome. Identifiers: Orphanet 145, MedGen C0677776, MeSH D061325, MONDO:0003582. Disease mechanism: loss of function.
Breast-ovarian cancer, familial, susceptibility to, 2 (BROVCA2). Also called: BRCA2 Hereditary Breast and Ovarian Cancer. Identifiers: Orphanet 145, MedGen C2675520, MONDO:0012933, OMIM 612555. Disease mechanism: loss of function.

Submissions (3):

Ambry Genetics
Classification: Likely benign for Hereditary cancer-predisposing syndrome. Last evaluated: 2026-06-04. Review status: criteria provided, single submitter. Criteria: Ambry Variant Classification Scheme 2023. Collection method: clinical testing. Allele origin: germline.

All of Us Research Program, National Institutes of Health
Classification: Likely benign for Breast-ovarian cancer, familial, susceptibility to, 2. Last evaluated: 2023-02-24. Review status: criteria provided, single submitter. Criteria: ACMG Guidelines, 2015. Collection method: clinical testing. Allele origin: germline. Inheritance: Autosomal dominant inheritance. Observed: 1 variant allele, 1 heterozygote.
Comment: This study involves interpretation of variants in research participants for the purpose of population health screening. Participant phenotype was not available at the time of variant classification. Additional details can be found in publication PMID: 35346344, PMCID: PMC8962531

Labcorp Genetics (formerly Invitae), Labcorp
Classification: Likely benign for Hereditary breast ovarian cancer syndrome. Last evaluated: 2022-12-06. Review status: criteria provided, single submitter. Criteria: Invitae Variant Classification Sherloc (09022015). Collection method: clinical testing. Allele origin: germline.